The following is an entry in ClinVar:

NM_174916.3(UBR1):c.1165G>A (p.Ala389Thr)

Gene: UBR1 (ubiquitin protein ligase E3 component n-recognin 1; minus strand). Cytogenetic location: 15q15.2.
Variant type: single nucleotide variant.
Coding change: c.1165G>A on transcript NM_174916.3 (MANE Select); coding-DNA position 1165, G replaced by A.
Protein change: p.Ala389Thr; replaces alanine 389 with threonine.
Molecular consequence: missense variant.
Genome position (GRCh38, 1-based): chr15:43,058,358, C>T on the plus strand (G>A on the coding strand, the complement: UBR1 is on the minus strand). VCF-style: chr15-43058358-C-T. GRCh37 (hg19) VCF-style: chr15-43350556-C-T.
Other names: short protein forms A389T.
Identifiers: ClinVar variation 1504202 (VCV001504202.5), dbSNP rs200801495, ClinGen allele CA392075721.

ClinVar aggregate classification (germline): Uncertain significance (1 of 4 stars; one submission).

Submission:

Labcorp Genetics (formerly Invitae), Labcorp
Classification: Uncertain significance. Last evaluated: 2022-06-13. Review status: criteria provided, single submitter. Criteria: Invitae Variant Classification Sherloc (09022015). Collection method: clinical testing. Allele origin: germline.
Comment: This sequence change replaces alanine, which is neutral and non-polar, with threonine, which is neutral and polar, at codon 389 of the UBR1 protein (p.Ala389Thr). This variant is not present in population databases (gnomAD no frequency). This variant has not been reported in the literature in individuals affected with UBR1-related conditions. Algorithms developed to predict the effect of missense changes on protein structure and function output the following: SIFT: "Deleterious"; PolyPhen-2: "Benign"; Align-GVGD: "Class C55". The threonine amino acid residue is found in multiple mammalian species, which suggests that this missense change does not adversely affect protein function. In summary, the available evidence is currently insufficient to determine the role of this variant in disease. Therefore, it has been classified as a Variant of Uncertain Significance.